The following is an entry in ClinVar:

ClinVar aggregate classification (germline): Likely benign. Review status: criteria provided, multiple submitters, no conflicts (2 of 4 stars). 4 submissions from 4 submitters: Likely benign (4). Last evaluated 2025-12-17.

Conditions:
COL9A3-related disorder. Also called: COL9A3-related condition.

Allele frequency attached by ClinVar (database versions not stated): ExAC 0.00008; gnomAD exomes 0.00008; ESP Exome Variant Server 0.00015; 1000 Genomes Project 30x 0.00016; gnomAD 0.00016; TOPMed 0.00019; 1000 Genomes Project 0.00020.
gnomAD v4.1: 131 of 1,613,708 alleles (0.0081%); highest among the groups gnomAD compares: African/African-American, 0.019%; no homozygotes.

Submissions (4):

Labcorp Genetics (formerly Invitae), Labcorp
Classification: Likely benign. Last evaluated: 2025-12-17. Review status: criteria provided, single submitter. Criteria: Invitae Variant Classification Sherloc (09022015). Collection method: clinical testing. Allele origin: germline.

PreventionGenetics, part of Exact Sciences
Classification: Likely benign for COL9A3-related condition. Last evaluated: 2025-08-18. Review status: criteria provided, single submitter. Criteria: ACMG Guidelines, 2015. Collection method: clinical testing. Allele origin: germline.
Comment: This variant is classified as likely benign based on ACMG/AMP sequence variant interpretation guidelines (Richards et al. 2015 PMID: 25741868, with internal and published modifications).

Blueprint Genetics
Classification: Likely benign. Last evaluated: 2024-11-25. Review status: criteria provided, single submitter. Criteria: ACMG Guidelines, 2015. Collection method: clinical testing. Allele origin: germline.

GeneDx
Classification: Likely benign. Last evaluated: 2020-12-01. Review status: criteria provided, single submitter. Criteria: GeneDx Variant Classification Process June 2021. Collection method: clinical testing. Allele origin: germline. Affected: yes.

NM_001853.4(COL9A3):c.1458C>T (p.Ser486=)

Genes: COL9A3 (collagen type IX alpha 3 chain; plus strand), LOC126863084 (MED14-independent group 3 enhancer GRCh37_chr20:61467141-61468340; plus strand). Cytogenetic location: 20q13.33.
Variant type: single nucleotide variant.
Coding change: c.1458C>T on transcript NM_001853.4 (MANE Select); coding-DNA position 1458, C replaced by T.
Protein change: p.Ser486=; no amino-acid change (serine 486 retained).
Molecular consequence: synonymous variant.
Genome position (GRCh38, 1-based): chr20:62,836,243, C>T. VCF-style: chr20-62836243-C-T. GRCh37 (hg19) VCF-style: chr20-61467595-C-T.
Other names: c.1458C>T, p.Ser486= (LRG_1253t1).
Identifiers: ClinVar variation 339294 (VCV000339294.14), dbSNP rs376958580, ClinGen allele CA9949992.
Genomic context (GRCh38, chr20:62,836,243, plus strand): 5'-GCAGTCTGGCAGTCGAGGGGAGCTGGGCCCCAAAGGCACCCAGGGTCCCAACGGCACCAG[C>T]GGTGTTCAGGGTGTCCCCGGGCCCCCCGGTCCTCTGGGCCTGCAGGGCGTCCCGGGTGTT-3'
Protein context (NP_001844.3, residues 476-496): PKGTQGPNGT[Ser486=]GVQGVPGPPG